The following is an entry in ClinVar:

NM_012120.3(CD2AP):c.578C>T (p.Ser193Phe)

Gene: CD2AP (CD2 associated protein; plus strand). Cytogenetic location: 6p12.3.
Variant type: single nucleotide variant.
Coding change: c.578C>T on transcript NM_012120.3 (MANE Select); coding-DNA position 578, C replaced by T.
Protein change: p.Ser193Phe; replaces serine 193 with phenylalanine.
Molecular consequence: missense variant.
Genome position (GRCh38, 1-based): chr6:47,574,100, C>T. VCF-style: chr6-47574100-C-T. GRCh37 (hg19) VCF-style: chr6-47541836-C-T.
Other names: c.578C>T (NM_012120.2); short protein forms S193F.
Identifiers: ClinVar variation 2970781 (VCV002970781.4), dbSNP rs760110147, ClinGen allele CA3844034.

ClinVar aggregate classification (germline): Uncertain significance. Review status: criteria provided, multiple submitters, no conflicts (2 of 4 stars). 2 submissions from 2 submitters: Uncertain significance (2). Last evaluated 2025-07-30.

Conditions:
Inborn genetic diseases. Identifiers: MedGen C0950123, MeSH D030342.

Allele frequency attached by ClinVar (database versions not stated): gnomAD 0.00001; gnomAD exomes 0.00002; ExAC 0.00003; TOPMed 0.00003.
gnomAD v4.1: 33 of 1,613,916 alleles (0.002%); highest among the groups gnomAD compares: Admixed American, 0.0067%; no homozygotes.

Submissions (2):

Labcorp Genetics (formerly Invitae), Labcorp
Classification: Uncertain significance. Last evaluated: 2025-07-30. Review status: criteria provided, single submitter. Criteria: Invitae Variant Classification Sherloc (09022015). Collection method: clinical testing. Allele origin: germline.
Comment: This sequence change replaces serine, which is neutral and polar, with phenylalanine, which is neutral and non-polar, at codon 193 of the CD2AP protein (p.Ser193Phe). This variant is present in population databases (rs760110147, gnomAD 0.003%). This variant has not been reported in the literature in individuals affected with CD2AP-related conditions. ClinVar contains an entry for this variant (Variation ID: 2970781). Invitae Evidence Modeling of protein sequence and biophysical properties (such as structural, functional, and spatial information, amino acid conservation, physicochemical variation, residue mobility, and thermodynamic stability) indicates that this missense variant is not expected to disrupt CD2AP protein function with a negative predictive value of 80%. In summary, the available evidence is currently insufficient to determine the role of this variant in disease. Therefore, it has been classified as a Variant of Uncertain Significance.

Ambry Genetics
Classification: Uncertain significance for Inborn genetic diseases. Last evaluated: 2024-11-13. Review status: criteria provided, single submitter. Criteria: Ambry Variant Classification Scheme 2023. Collection method: clinical testing. Allele origin: germline.